The following is an entry in ClinVar:

NM_001365276.2(TNXB):c.6481A>G (p.Met2161Val)

Gene: TNXB (tenascin XB; minus strand). Cytogenetic location: 6p21.33.
Variant type: single nucleotide variant.
Coding change: c.6481A>G on transcript NM_001365276.2 (MANE Select); coding-DNA position 6481, A replaced by G.
Protein change: p.Met2161Val; replaces methionine 2161 with valine.
Molecular consequence: missense variant.
Genome position (GRCh38, 1-based): chr6:32,067,724, T>C on the plus strand (A>G on the coding strand, the complement: TNXB is on the minus strand). VCF-style: chr6-32067724-T-C. GRCh37 (hg19) VCF-style: chr6-32035501-T-C.
Other names: c.7222A>G, p.Met2408Val (NM_001428335.1); c.6481A>G, p.Met2161Val (NM_019105.8); short protein forms M2161V, M2408V.
Identifiers: ClinVar variation 3227304 (VCV003227304.2), dbSNP rs1231681959, ClinGen allele CA363398789.

ClinVar aggregate classification (germline): Uncertain significance. Review status: criteria provided, multiple submitters, no conflicts (2 of 4 stars). 2 submissions from 2 submitters: Uncertain significance (2). Last evaluated 2024-11-11.

Conditions:
Cardiovascular phenotype. Identifiers: MedGen CN230736.

gnomAD v4.1: 16 of 1,613,814 alleles (0.00099%); highest among the groups gnomAD compares: Non-Finnish European, 0.0012%; no homozygotes.

Submissions (2):

GeneDx
Classification: Uncertain significance. Last evaluated: 2024-11-11. Review status: criteria provided, single submitter. Criteria: GeneDx Variant Classification Process June 2021. Collection method: clinical testing. Allele origin: germline. Affected: yes.
Comment: Has not been previously published as pathogenic or benign to our knowledge; Not observed at significant frequency in large population cohorts (gnomAD); In silico analysis indicates that this missense variant does not alter protein structure/function

Ambry Genetics
Classification: Uncertain significance for Cardiovascular phenotype. Last evaluated: 2023-10-05. Review status: criteria provided, single submitter. Criteria: Ambry Variant Classification Scheme 2023. Collection method: clinical testing. Allele origin: germline.
Comment: The p.M2161V variant (also known as c.6481A>G), located in coding exon 17 of the TNXB gene, results from an A to G substitution at nucleotide position 6481. The methionine at codon 2161 is replaced by valine, an amino acid with highly similar properties. This amino acid position is conserved. In addition, this alteration is predicted to be tolerated by in silico analysis. Since supporting evidence is limited at this time, the clinical significance of this alteration remains unclear.